The following is an entry in ClinVar:

ClinVar aggregate classification (germline): Uncertain significance (1 of 4 stars; one submission).

Submission:

Labcorp Genetics (formerly Invitae), Labcorp
Classification: Uncertain significance. Last evaluated: 2022-03-24. Review status: criteria provided, single submitter. Criteria: Invitae Variant Classification Sherloc (09022015). Collection method: clinical testing. Allele origin: germline.
Comment: This variant has not been reported in the literature in individuals affected with CDCA7-related conditions. Experimental studies and prediction algorithms are not available or were not evaluated, and the functional significance of this variant is currently unknown. In summary, the available evidence is currently insufficient to determine the role of this variant in disease. Therefore, it has been classified as a Variant of Uncertain Significance. The frequency data for this variant in the population databases is considered unreliable, as metrics indicate poor data quality at this position in the gnomAD database. This variant, c.837_839del, results in the deletion of 1 amino acid(s) of the CDCA7 protein (p.Glu281del), but otherwise preserves the integrity of the reading frame.

NM_031942.5(CDCA7):c.825GGA[4] (p.Glu281del)

Gene: CDCA7 (cell division cycle associated 7; plus strand). Cytogenetic location: 2q31.1.
Variant type: Microsatellite.
Coding change: c.825GGA[4] on transcript NM_031942.5 (MANE Select); four copies in a row of the 3-base unit GGA starting at c.825; the reference has five copies in a row; one copy, 3 bases deleted.
Protein change: p.Glu281del; deletes glutamic acid 281.
Molecular consequence: inframe deletion.
Genome position (GRCh38, 1-based): chr2:173,364,932-173,364,934, GGA deleted; deleting any 3 consecutive bases within chr2:173,364,920-173,364,934 gives the same sequence; the position shown is the placement nearest the transcript's 3' end. VCF-style (leftmost placement, unchanged base first): chr2-173364919-TGGA-T. GRCh37 (hg19) VCF-style: chr2-174229647-TGGA-T.
Other names: c.588GGA[4], p.Glu202del (NM_145810.3); short protein forms E202del, E281del.
Identifiers: ClinVar variation 1975130 (VCV001975130.5), dbSNP rs754083976, ClinGen allele CA1971348.